The following is an entry in ClinVar:

ClinVar aggregate classification (germline): Uncertain significance (1 of 4 stars; one submission).

gnomAD v4.1: 1 of 1,613,504 alleles (0.000062%); highest among the groups gnomAD compares: Non-Finnish European, 0.000085%; no homozygotes.

Submission:

Labcorp Genetics (formerly Invitae), Labcorp
Classification: Uncertain significance. Last evaluated: 2022-11-28. Review status: criteria provided, single submitter. Criteria: Invitae Variant Classification Sherloc (09022015). Collection method: clinical testing. Allele origin: germline.
Comment: This sequence change replaces glycine, which is neutral and non-polar, with valine, which is neutral and non-polar, at codon 541 of the FREM2 protein (p.Gly541Val). This variant is not present in population databases (gnomAD no frequency). This variant has not been reported in the literature in individuals affected with FREM2-related conditions. Advanced modeling of protein sequence and biophysical properties (such as structural, functional, and spatial information, amino acid conservation, physicochemical variation, residue mobility, and thermodynamic stability) performed at Invitae indicates that this missense variant is expected to disrupt FREM2 protein function. In summary, the available evidence is currently insufficient to determine the role of this variant in disease. Therefore, it has been classified as a Variant of Uncertain Significance.

NM_207361.6(FREM2):c.1622G>T (p.Gly541Val)

Gene: FREM2 (FRAS1 related extracellular matrix 2; plus strand). Cytogenetic location: 13q13.3.
Variant type: single nucleotide variant.
Coding change: c.1622G>T on transcript NM_207361.6 (MANE Select); coding-DNA position 1622, G replaced by T.
Protein change: p.Gly541Val; replaces glycine 541 with valine.
Molecular consequence: missense variant.
Genome position (GRCh38, 1-based): chr13:38,688,966, G>T. VCF-style: chr13-38688966-G-T. GRCh37 (hg19) VCF-style: chr13-39263103-G-T.
Other names: short protein forms G541V.
Identifiers: ClinVar variation 2106577 (VCV002106577.4), dbSNP rs1869651392, ClinGen allele CA387886468.
Genomic context (GRCh38, chr13:38,688,966, plus strand): 5'-ATGATGACAGAGACGGCTCGCTGAGCGACAACCTGGTGCTTCGCATGGTGGATGGAGGAG[G>T]CAGGCACCAGGTACAGTTTCTGTTCCCCATCACCTTAGTGCCTGTGGATGACCAGCCACC-3'
Protein context (NP_997244.4, residues 531-551): NLVLRMVDGG[Gly541Val]RHQVQFLFPI